The following is an entry in ClinVar:

ClinVar aggregate classification (germline): Uncertain significance (1 of 4 stars; one submission).

Submission:

GeneDx
Classification: Uncertain significance. Last evaluated: 2024-06-07. Review status: criteria provided, single submitter. Criteria: GeneDx Variant Classification Process June 2021. Collection method: clinical testing. Allele origin: germline. Affected: yes.
Comment: Not observed at significant frequency in large population cohorts (gnomAD); In silico analysis indicates that this missense variant does not alter protein structure/function; In silico analysis suggests this variant may impact gene splicing. In the absence of RNA/functional studies, the actual effect of this sequence change is unknown.; Has not been previously published as pathogenic or benign to our knowledge

NM_031475.3(ESPN):c.2424G>T (p.Glu808Asp)

Gene: ESPN (espin; plus strand). Cytogenetic location: 1p36.31.
Variant type: single nucleotide variant.
Coding change: c.2424G>T on transcript NM_031475.3 (MANE Select); coding-DNA position 2424, G replaced by T.
Protein change: p.Glu808Asp; replaces glutamic acid 808 with aspartic acid.
Molecular consequence: missense variant.
Genome position (GRCh38, 1-based): chr1:6,460,005, G>T. VCF-style: chr1-6460005-G-T. GRCh37 (hg19) VCF-style: chr1-6520065-G-T.
Other names: c.2334G>T, p.Glu778Asp (NM_001367473.1); c.2361G>T, p.Glu787Asp (NM_001367474.1); short protein forms E778D, E787D, E808D.
Identifiers: ClinVar variation 3384655 (VCV003384655.1).